The following is an entry in ClinVar:

ClinVar aggregate classification (germline): Conflicting classifications of pathogenicity. Review status: criteria provided, conflicting classifications (1 of 4 stars). 3 submissions from 3 submitters: Uncertain significance (2); Likely benign (1). Last evaluated 2025-01-14.

Conditions:
Ataxia-telangiectasia syndrome (AT). Also called: LOUIS-BAR SYNDROME; Cerebello-oculocutaneous telangiectasia; Immunodeficiency with ataxia telangiectasia; Ataxia-telangiectasia, complementation group D; AT, COMPLEMENTATION GROUP C; ATAXIA-TELANGIECTASIA, COMPLEMENTATION GROUP A. Identifiers: Orphanet 100, MedGen C0004135, MONDO:0008840, OMIM 208900.
Hereditary cancer-predisposing syndrome. Also called: Hereditary Cancer Syndrome; Hereditary neoplastic syndrome; Neoplastic Syndromes, Hereditary; Tumor predisposition. Identifiers: Orphanet 140162, MedGen C0027672, MeSH D009386, MONDO:0015356.

Submissions (3):

Labcorp Genetics (formerly Invitae), Labcorp
Classification: Uncertain significance for Ataxia-telangiectasia syndrome. Last evaluated: 2025-01-14. Review status: criteria provided, single submitter. Criteria: Invitae Variant Classification Sherloc (09022015). Collection method: clinical testing. Allele origin: germline.
Comment: This sequence change replaces asparagine, which is neutral and polar, with serine, which is neutral and polar, at codon 81 of the ATM protein (p.Asn81Ser). This variant is not present in population databases (gnomAD no frequency). This variant has not been reported in the literature in individuals affected with ATM-related conditions. ClinVar contains an entry for this variant (Variation ID: 1337547). Invitae Evidence Modeling of protein sequence and biophysical properties (such as structural, functional, and spatial information, amino acid conservation, physicochemical variation, residue mobility, and thermodynamic stability) indicates that this missense variant is not expected to disrupt ATM protein function with a negative predictive value of 95%. In summary, the available evidence is currently insufficient to determine the role of this variant in disease. Therefore, it has been classified as a Variant of Uncertain Significance.

Ambry Genetics
Classification: Likely benign for Hereditary cancer-predisposing syndrome. Last evaluated: 2024-06-19. Review status: criteria provided, single submitter. Criteria: Ambry Variant Classification Scheme 2023. Collection method: clinical testing. Allele origin: germline.

Genetic Services Laboratory, University of Chicago
Classification: Uncertain significance. Last evaluated: 2020-02-26. Review status: criteria provided, single submitter. Criteria: ACMG Guidelines, 2015. Collection method: clinical testing. Allele origin: germline. Affected: no.
Comment: DNA sequence analysis of the ATM gene demonstrated a sequence change, c.242A>G, in exon 4 that results in an amino acid change, p.Asn81Ser. This sequence change does not appear to have been previously described in patients with ATM-related disorders and has also not been described in population databases (EXAC, gnomAD). The p.Asn81Ser change affects a moderately conserved amino acid residue located in a domain of the ATM protein that is known to be functional. The p.Asn81Ser substitution appears to be benign using several in-silico pathogenicity prediction tools (SIFT, PolyPhen2, Align GVGD, REVEL). Due to these contrasting evidences and the lack of functional studies, the clinical significance of the p.Asn81Ser change remains unknown at this time.

NM_000051.4(ATM):c.242A>G (p.Asn81Ser)

Gene: ATM (ATM serine/threonine kinase; plus strand). Cytogenetic location: 11q22.3.
Variant type: single nucleotide variant.
Coding change: c.242A>G on transcript NM_000051.4 (MANE Select); coding-DNA position 242, A replaced by G.
Protein change: p.Asn81Ser; replaces asparagine 81 with serine.
Molecular consequence: missense variant.
Genome position (GRCh38, 1-based): chr11:108,229,234, A>G. VCF-style: chr11-108229234-A-G. GRCh37 (hg19) VCF-style: chr11-108099961-A-G.
Other names: c.242A>G, p.Asn81Ser (NM_001351834.2, NM_001351835.2, NM_001351836.2); short protein forms N81S.
Identifiers: ClinVar variation 1337547 (VCV001337547.11), dbSNP rs2135034894, ClinGen allele CA382521529.